The following continues an entry in ClinVar:

NM_000466.3(PEX1):c.2528G>A (p.Gly843Asp)

Gene: PEX1. ClinVar aggregate classification (germline): Pathogenic. Pathogenic (37).

Submissions 27 to 46 of 48:

Undiagnosed Diseases Network, NIH
Classification: Pathogenic for Peroxisomal disorder. Last evaluated: 2018-03-16. Review status: criteria provided, single submitter. Criteria: ACMG Guidelines, 2015. Collection method: clinical testing. Allele origin: inherited. Inheritance: Autosomal recessive inheritance. Affected: yes. Observed: 1 variant allele, 1 homozygote. Study: Undiagnosed Diseases Network (NIH), UDN.

Genomic Research Center, Shahid Beheshti University of Medical Sciences
Classification: Pathogenic for Zellweger spectrum disorders. Last evaluated: 2018-03-05. Review status: criteria provided, single submitter. Criteria: ACMG Guidelines, 2015. Collection method: clinical testing. Allele origin: inherited. Affected: yes. Observed: 1 variant allele.

Genomic Research Center, Shahid Beheshti University of Medical Sciences
Classification: Pathogenic for Peroxisome biogenesis disorder 1B. Last evaluated: 2018-03-05. Review status: criteria provided, single submitter. Criteria: ACMG Guidelines, 2015. Collection method: clinical testing. Allele origin: inherited. Affected: yes. Observed: 1 variant allele.

Genomic Research Center, Shahid Beheshti University of Medical Sciences
Classification: Pathogenic for Deafness, enamel hypoplasia, nail defect syndrome. Last evaluated: 2018-03-05. Review status: criteria provided, single submitter. Criteria: ACMG Guidelines, 2015. Collection method: clinical testing. Allele origin: inherited. Affected: yes. Observed: 1 variant allele.

Baylor Genetics
Classification: Pathogenic for Heimler syndrome 1; Peroxisome biogenesis disorder 1A (Zellweger); Peroxisome biogenesis disorder 1B. Last evaluated: 2017-12-31. Review status: criteria provided, single submitter. Criteria: ACMG Guidelines, 2015. Collection method: clinical testing. Allele origin: germline. Affected: yes.

Illumina Laboratory Services, Illumina
Classification: Pathogenic for Peroxisome biogenesis disorder 1A (Zellweger). Last evaluated: 2017-04-27. Review status: criteria provided, single submitter. Criteria: ICSL Variant Classification Criteria 09 May 2019. Collection method: clinical testing. Allele origin: germline.
Comment: The PEX1 c.2528G>A (p.Gly843Asp) missense variant has been reported in two studies in which it was found in a total of 33 patients with Zellweger syndrome, including in 12 patients in a homozygous state, six patients in a compound heterozygous state, and 15 patients in a heterozygous state (Reuber et al. 1997; Thoms et al. 2011). The p.Gly843Asp variant was present in a heterozygous state in one of 78 controls and is reported at a frequency of 0.00081 in the European American population of the Exome Sequencing Project. This variant is conserved between human and yeast. The p.Gly843Asp variant protein, when transfected into fibroblasts derived from a patient diagnosed with peroxisomal biogenesis disorder, failed to mediate PAHXmyc import in most cells and showed about 15% activity when compared to the wild type assay. Some genotype-phenotype correlation was noted, with five of six homozygotes for the p.Gly843Asp variant diagnosed with infantile Refsum disease or neonatal adrenoleukodystrophy, which are considered to be more mild phenotypes in the Zellweger spectrum. Based on the collective evidence, the p.Gly843Asp) variant is classified as pathogenic for Zellweger syndrome. This variant was observed by ICSL as part of a predisposition screen in an ostensibly healthy population.

Eurofins Ntd Llc (ga)
Classification: Pathogenic. Last evaluated: 2016-01-26. Review status: criteria provided, single submitter. Criteria: EGL Classification Definitions. Collection method: clinical testing. Allele origin: germline. Observed: 12 variant alleles, 9 heterozygotes, 3 homozygotes.

Center for Pediatric Genomic Medicine, Children's Mercy Hospital and Clinics
Classification: Pathogenic. Last evaluated: 2015-02-06. Review status: criteria provided, single submitter. Criteria: ACMG Guidelines, 2015. Collection method: clinical testing. Allele origin: germline.

Ambry Genetics
Classification: Pathogenic for Inborn genetic diseases. Last evaluated: 2014-09-07. Review status: criteria provided, single submitter. Criteria: Ambry exome assertion method (8-5-2015). Collection method: clinical testing. Allele origin: germline. Affected: yes. Observed: 2 variant alleles.

Baylor Genetics
Classification: Pathogenic for Peroxisome biogenesis disorder 1A (Zellweger); Peroxisome biogenesis disorder 1B. Review status: criteria provided, single submitter. Criteria: ACMG Guidelines, 2015. Collection method: clinical testing. Allele origin: germline.

Laboratoire de Génétique Moléculaire, CHU Bordeaux
Classification: Pathogenic. Review status: criteria provided, single submitter. Criteria: ACMG Guidelines, 2015. Collection method: clinical testing. Allele origin: germline. Affected: yes.

Diagnostics Centre, Carl Von Ossietzky University Oldenburg
Classification: Pathogenic for Peroxisome biogenesis disorder 1A (Zellweger). Last evaluated: 2023-11-15. Review status: no assertion criteria provided. Collection method: clinical testing. Allele origin: germline. Affected: yes. Observed: 1 variant allele. Not counted in ClinVar's aggregate classification.
Comment: The variant PEX1:c.2528G>A, p.(Gly843Asp), which is located in the coding exon 15 of the PEX1 gene, results from a guanine to adenosine substitution at nucleotide position c.2528. The glycine at protein position 843 is replaced by an asparagine, an amino acid with modified properties. The amino acid position is highly conserved in evolutionary terms. In addition, in silico tools predict a severe deleterious effect in the protein structure/function (REVEL = 0.98). The variant is classified as rare in the overall population (allele frequency= 0.0005440 in gnomAD, v4.1.0). The variant has been consistently described as Pathogenic or Likely pathogenic in 42 entries in ClinVar (ClinVar ID: 7516). The variant has been described in multiple publications in homozygous and compound heterozygous state in patients with peroxisomal diseases and represents one of the most frequent pathogenic alterations in Zellweger syndrome (PMID: 9398847, 10447258, 15098231, 16141001). In homozygous state, this alteration often leads to a milder course of the disease than truncating PEX1 alterations (PMID:15098231). Functional studies conducted in a mouse model demonstrated a deleterious effect in protein function and recapitulate the human phenotype (PMID: 22871920, 24503136). In summary, the variant is classified as Pathogenic.

Division of Human Genetics, Children's Hospital of Philadelphia
Classification: Pathogenic for Peroxisome biogenesis disorder 1A (Zellweger). Last evaluated: 2014-07-31. Review status: no assertion criteria provided. Collection method: research. Allele origin: paternal. Affected: yes. Study: CSER-PediSeq. Not counted in ClinVar's aggregate classification.
Comment: The variant (c.2528G>A; p.Gly843Asp) has been reported in individuals with peroxisome biogenesis disorders (Reuber et al. 1997 PMID: 9398847; Portsteffen et al. 1997 PMID: 9398848; Rosewich et al. 2005 PMID: 16141001). This variant is the most common variant associated with Zellweger syndrome. Computational evidence and results from functional studies support the pathogenicity of this variant (Reuber et al., 1997 PMID: 9398847; Portsteffen et al. 1997 PMID: 9398848; Geisbrecht et al. 1998; Imamura et al. 1998; Walter et al. 2001 PMID: 11389485; Tamura et al. 2001; Rosewich et al. 2005).

ClinVar Staff, National Center for Biotechnology Information (NCBI)
No classification provided. Condition: Leber's amaurosis. Last evaluated: 2013-01-22. Review status: no classification provided. Collection method: curation. Allele origin: germline. Not counted in ClinVar's aggregate classification.

OMIM
Classification: Pathogenic for PEROXISOME BIOGENESIS DISORDER 1B. Last evaluated: 2012-09-01. Review status: no assertion criteria provided. Collection method: literature only. Allele origin: germline. Not counted in ClinVar's aggregate classification.

OMIM
Classification: Pathogenic for PEROXISOME BIOGENESIS DISORDER 1A (ZELLWEGER). Last evaluated: 2012-09-01. Review status: no assertion criteria provided. Collection method: literature only. Allele origin: germline. Not counted in ClinVar's aggregate classification.

Clinical Genetics DNA and cytogenetics Diagnostics Lab, Erasmus MC, Erasmus Medical Center
Classification: Pathogenic. Review status: no assertion criteria provided. Collection method: clinical testing. Allele origin: germline. Affected: yes. Study: VKGL Data-share Consensus. Not counted in ClinVar's aggregate classification.

Diagnostic Laboratory, Department of Genetics, University Medical Center Groningen
Classification: Pathogenic. Review status: no assertion criteria provided. Collection method: clinical testing. Allele origin: germline. Affected: yes. Study: VKGL Data-share Consensus. Not counted in ClinVar's aggregate classification.

GeneReviews
No classification provided. Condition: Peroxisome biogenesis disorder. Review status: no classification provided. Collection method: literature only. Allele origin: germline. Not counted in ClinVar's aggregate classification.
Comment: NM_000466.2:c.2528G>A and NM_000466.2:c.2097dupT are the most common PEX1 variants; about 80% of persons with a PEX1 pathogenic variant have at least 1 of these common alleles.

Genome Diagnostics Laboratory, University Medical Center Utrecht
Classification: Pathogenic. Review status: no assertion criteria provided. Collection method: clinical testing. Allele origin: germline. Affected: yes. Study: VKGL Data-share Consensus. Not counted in ClinVar's aggregate classification.